The following is an entry in ClinVar:

NM_003620.4(PPM1D):c.1535del (p.Asn512fs)

Gene: PPM1D (protein phosphatase, Mg2+/Mn2+ dependent 1D; plus strand). Cytogenetic location: 17q23.2.
Variant type: Deletion.
Coding change: c.1535del on transcript NM_003620.4 (MANE Select); coding-DNA position 1535, one base deleted (A; older notation c.1535delA).
Protein change: p.Asn512fs; shifts the reading frame from asparagine 512.
Molecular consequence: frameshift variant.
Genome position (GRCh38, 1-based): chr17:60,663,269, A deleted; the last of 7 consecutive A bases (chr17:60,663,263-60,663,269); deleting any one gives the same sequence. VCF-style (leftmost placement, unchanged base first): chr17-60663262-CA-C. GRCh37 (hg19) VCF-style: chr17-58740623-CA-C.
Other names: c.1535delA (NM_003620.3); short protein forms N512fs.
Identifiers: ClinVar variation 817626 (VCV000817626.10), dbSNP rs763475304, ClinGen allele CA8687814.

ClinVar aggregate classification (germline): Pathogenic. Review status: criteria provided, multiple submitters, no conflicts (2 of 4 stars). 4 submissions from 4 submitters: Pathogenic (4). Last evaluated 2025-11-07.

Conditions:
Intellectual developmental disorder with gastrointestinal difficulties and high pain threshold (JDVS). Also called: JANSEN-DE VRIES SYNDROME. Identifiers: Orphanet 653767, MedGen C4479517, MONDO:0044318, OMIM 617450.
Familial cancer of breast. Also called: BREAST CANCER, FAMILIAL; Hereditary breast cancer; hereditary breast carcinoma. Identifiers: Orphanet 227535, MedGen C0346153, MONDO:0016419, OMIM 114480. Disease mechanism: loss of function.

Submissions (4):

Greenwood Genetic Center Diagnostic Laboratories, Greenwood Genetic Center
Classification: Pathogenic for Intellectual developmental disorder with gastrointestinal difficulties and high pain threshold. Last evaluated: 2025-11-07. Review status: criteria provided, single submitter. Criteria: ACMG Guidelines, 2015. Collection method: clinical testing. Allele origin: germline. Affected: yes.
Comment: PVS1_Strong, PS4

GeneDx
Classification: Pathogenic. Last evaluated: 2025-06-11. Review status: criteria provided, single submitter. Criteria: GeneDx Variant Classification Process June 2021. Collection method: clinical testing. Allele origin: germline. Affected: yes.
Comment: Frameshift variant predicted to result in protein truncation, as the last 94 amino acids are replaced with 1 different amino acid, and other loss-of-function variants have been reported downstream in the Human Gene Mutation Database (HGMD); This variant is associated with the following publications: (PMID: 30850729, 23242139, 26823519, 29758292, 24262437, 37183572)

Mendelics
Classification: Pathogenic for Familial cancer of breast. Last evaluated: 2022-05-04. Review status: criteria provided, single submitter. Criteria: Mendelics Assertion Criteria 2019. Collection method: clinical testing. Allele origin: germline.

Undiagnosed Diseases Network, NIH
Classification: Pathogenic for Intellectual developmental disorder with gastrointestinal difficulties and high pain threshold. Last evaluated: 2018-07-26. Review status: criteria provided, single submitter. Criteria: ACMG Guidelines, 2015. Collection method: clinical testing. Allele origin: de novo. Inheritance: Autosomal dominant inheritance. Affected: yes. Observed: 1 variant allele, 1 heterozygote, 1 mosaic individual. Study: Undiagnosed Diseases Network (NIH), UDN.